The following is an entry in ClinVar:

ClinVar aggregate classification (germline): Uncertain significance (1 of 4 stars; one submission).

Allele frequency attached by ClinVar (database versions not stated): ExAC 0.00001.
gnomAD v4.1: 12 of 1,583,700 alleles (0.00076%); highest among the groups gnomAD compares: East Asian, 0.0045%; no homozygotes.

Submission:

Labcorp Genetics (formerly Invitae), Labcorp
Classification: Uncertain significance. Last evaluated: 2024-06-16. Review status: criteria provided, single submitter. Criteria: Invitae Variant Classification Sherloc (09022015). Collection method: clinical testing. Allele origin: germline.
Comment: This sequence change replaces valine, which is neutral and non-polar, with methionine, which is neutral and non-polar, at codon 208 of the ARHGEF1 protein (p.Val208Met). The frequency data for this variant in the population databases is considered unreliable, as metrics indicate poor data quality at this position in the gnomAD database. This variant has not been reported in the literature in individuals affected with ARHGEF1-related conditions. An algorithm developed to predict the effect of missense changes on protein structure and function (PolyPhen-2) suggests that this variant is likely to be tolerated. In summary, the available evidence is currently insufficient to determine the role of this variant in disease. Therefore, it has been classified as a Variant of Uncertain Significance.

NM_004706.4(ARHGEF1):c.577G>A (p.Val193Met)

Gene: ARHGEF1 (Rho guanine nucleotide exchange factor 1; plus strand). Cytogenetic location: 19q13.2.
Variant type: single nucleotide variant.
Coding change: c.577G>A on transcript NM_004706.4 (MANE Select); coding-DNA position 577, G replaced by A.
Protein change: p.Val193Met; replaces valine 193 with methionine.
Molecular consequence: missense variant. On other transcripts: non-coding transcript variant (2).
Genome position (GRCh38, 1-based): chr19:41,892,812, G>A. VCF-style: chr19-41892812-G-A. GRCh37 (hg19) VCF-style: chr19-42396883-G-A.
Other names: c.577G>A, p.Val193Met (NM_001396000.1, NM_001396003.1, NM_001396006.1); c.478G>A, p.Val160Met (NM_001396002.1, NM_001396004.1, NM_198977.2); c.622G>A, p.Val208Met (NM_199002.2); short protein forms V193M, V208M, V160M.
Identifiers: ClinVar variation 2983284 (VCV002983284.3), dbSNP rs782655474, ClinGen allele CA9465945.